The following is an entry in ClinVar:

NM_014225.6(PPP2R1A):c.1664C>G (p.Thr555Ser)

Gene: PPP2R1A (protein phosphatase 2 scaffold subunit Aalpha; plus strand). Cytogenetic location: 19q13.41.
Variant type: single nucleotide variant.
Coding change: c.1664C>G on transcript NM_014225.6 (MANE Select); coding-DNA position 1664, C replaced by G.
Protein change: p.Thr555Ser; replaces threonine 555 with serine.
Molecular consequence: missense variant. On other transcripts: non-coding transcript variant (1).
Genome position (GRCh38, 1-based): chr19:52,225,719, C>G. VCF-style: chr19-52225719-C-G. GRCh37 (hg19) VCF-style: chr19-52728972-C-G.
Other names: c.1127C>G, p.Thr376Ser (NM_001363656.2); short protein forms T376S, T555S.
Identifiers: ClinVar variation 2039036 (VCV002039036.4), dbSNP rs1237302740, ClinGen allele CA407159055.

ClinVar aggregate classification (germline): Uncertain significance (1 of 4 stars; one submission).

Submission:

Labcorp Genetics (formerly Invitae), Labcorp
Classification: Uncertain significance. Last evaluated: 2024-01-08. Review status: criteria provided, single submitter. Criteria: Invitae Variant Classification Sherloc (09022015). Collection method: clinical testing. Allele origin: germline.
Comment: This sequence change replaces threonine, which is neutral and polar, with serine, which is neutral and polar, at codon 555 of the PPP2R1A protein (p.Thr555Ser). This variant is not present in population databases (gnomAD no frequency). This variant has not been reported in the literature in individuals affected with PPP2R1A-related conditions. ClinVar contains an entry for this variant (Variation ID: 2039036). An algorithm developed to predict the effect of missense changes on protein structure and function (PolyPhen-2) suggests that this variant is likely to be tolerated. Algorithms developed to predict the effect of sequence changes on RNA splicing suggest that this variant may create or strengthen a splice site. In summary, the available evidence is currently insufficient to determine the role of this variant in disease. Therefore, it has been classified as a Variant of Uncertain Significance.